The following is an entry in ClinVar:

ClinVar aggregate classification (germline): Pathogenic (1 of 4 stars; one submission).

Conditions:
Cohen syndrome (COH1). Also called: Cutis verticis gyrata, retinitis pigmentosa, and sensorineural deafness; PEPPER SYNDROME. Identifiers: Orphanet 193, MedGen C0265223, MONDO:0008999, OMIM 216550.

Submission:

Labcorp Genetics (formerly Invitae), Labcorp
Classification: Pathogenic for Cohen syndrome. Last evaluated: 2023-11-28. Review status: criteria provided, single submitter. Criteria: Invitae Variant Classification Sherloc (09022015). Collection method: clinical testing. Allele origin: unknown.
Comment: This variant is a gross deletion of the genomic region encompassing exon(s) 34-62 of the VPS13B gene, which includes the termination codon. This deletion extends beyond the assayed region for this gene and therefore may encompass additional genes. While this deletion is not anticipated to lead to nonsense mediated decay, it is expected to alter mRNA translation or result in a truncated protein product. This variant has not been reported in the literature in individuals affected with VPS13B-related conditions. This variant disrupts a region of the VPS13B protein in which other variant(s) (Deletion (Exon 35)) have been determined to be pathogenic (Invitae). This suggests that this is a clinically significant region of the protein, and that variants that disrupt it are likely to be disease-causing. For these reasons, this variant has been classified as Pathogenic.

NC_000008.10:g.(?_100654019)_(100887894_?)del

Gene: VPS13B (vacuolar protein sorting 13 homolog B; plus strand). Cytogenetic location: 8q22.2.
Variant type: Deletion.
Identifiers: ClinVar variation 3245455 (VCV003245455.1).